The following is an entry in ClinVar:

NM_001195518.2(MICU1):c.91C>T (p.Arg31Ter)

Gene: MICU1 (mitochondrial calcium uptake 1; minus strand). Cytogenetic location: 10q22.1.
Variant type: single nucleotide variant.
Coding change: c.91C>T on transcript NM_001195518.2 (MANE Select); coding-DNA position 91, C replaced by T.
Protein change: p.Arg31Ter; replaces arginine 31 with a stop codon.
Molecular consequence: nonsense.
Genome position (GRCh38, 1-based): chr10:72,566,703, G>A on the plus strand (C>T on the coding strand, the complement: MICU1 is on the minus strand). VCF-style: chr10-72566703-G-A. GRCh37 (hg19) VCF-style: chr10-74326461-G-A.
Other names: c.91C>T, p.Arg31Ter (NM_001363513.2, NM_006077.4); short protein forms R31*.
Identifiers: ClinVar variation 1946040 (VCV001946040.5), dbSNP rs1366397948, ClinGen allele CA377395800.

ClinVar aggregate classification (germline): Pathogenic (1 of 4 stars; one submission).

gnomAD v4.1: 6 of 1,612,534 alleles (0.00037%); highest among the groups gnomAD compares: Non-Finnish European, 0.00042%; no homozygotes.

Submission:

Labcorp Genetics (formerly Invitae), Labcorp
Classification: Pathogenic. Last evaluated: 2024-03-23. Review status: criteria provided, single submitter. Criteria: Invitae Variant Classification Sherloc (09022015). Collection method: clinical testing. Allele origin: germline.
Comment: This sequence change creates a premature translational stop signal (p.Arg31*) in the MICU1 gene. It is expected to result in an absent or disrupted protein product. Loss-of-function variants in MICU1 are known to be pathogenic (PMID: 24336167). This variant is present in population databases (no rsID available, gnomAD 0.01%). This variant has not been reported in the literature in individuals affected with MICU1-related conditions. ClinVar contains an entry for this variant (Variation ID: 1946040). For these reasons, this variant has been classified as Pathogenic.

Literature cited by the submitters: PubMed 24336167.